The following is an entry in ClinVar:

NM_000043.6(FAS):c.749G>A (p.Arg250Gln)

Gene: FAS (Fas cell surface death receptor; plus strand). Cytogenetic location: 10q23.31.
Variant type: single nucleotide variant.
Coding change: c.749G>A on transcript NM_000043.6 (MANE Select); coding-DNA position 749, G replaced by A.
Protein change: p.Arg250Gln; replaces arginine 250 with glutamine.
Molecular consequence: missense variant. On other transcripts: 3 prime UTR variant (2), non-coding transcript variant (7).
Genome position (GRCh38, 1-based): chr10:89,014,191, G>A. VCF-style: chr10-89014191-G-A. GRCh37 (hg19) VCF-style: chr10-90773948-G-A.
Other names: c.*72G>A (NM_001320619.2); c.686G>A, p.Arg229Gln (NM_152871.4); c.*61G>A (NM_152872.4); short protein forms R229Q, R250Q.
Identifiers: ClinVar variation 1070182 (VCV001070182.39), dbSNP rs121913080, ClinGen allele CA377509711.

ClinVar aggregate classification (germline): Pathogenic/Likely pathogenic. Review status: criteria provided, multiple submitters, no conflicts (2 of 4 stars). 5 submissions from 5 submitters: Pathogenic (2); Likely pathogenic (1). 2 of the submissions do not count toward it. Last evaluated 2025-03-05.

Conditions:
Autoimmune lymphoproliferative syndrome type 1. Also called: AUTOIMMUNE LYMPHOPROLIFERATIVE SYNDROME, TYPE I, AUTOSOMAL DOMINANT. Identifiers: Orphanet 3261, MedGen C2717884, MONDO:0011158, OMIM 601859.

Allele frequency attached by ClinVar (database versions not stated): gnomAD exomes below 0.00001.
gnomAD v4.1: 1 of 1,613,834 alleles (0.000062%); highest among the groups gnomAD compares: Non-Finnish European, 0.000085%; no homozygotes.

Submissions (5):

Labcorp Genetics (formerly Invitae), Labcorp
Classification: Pathogenic for Autoimmune lymphoproliferative syndrome. Last evaluated: 2025-03-05. Review status: criteria provided, single submitter. Criteria: Invitae Variant Classification Sherloc (09022015). Collection method: clinical testing. Allele origin: germline.
Comment: This sequence change replaces arginine, which is basic and polar, with glutamine, which is neutral and polar, at codon 250 of the FAS protein (p.Arg250Gln). This variant is not present in population databases (gnomAD no frequency). This missense change has been observed in individuals with autoimmune lymphoproliferative syndrome (PMID: 10090885, 11830507, 18948840). This variant is also known as R234Q. ClinVar contains an entry for this variant (Variation ID: 1070182). Invitae Evidence Modeling of protein sequence and biophysical properties (such as structural, functional, and spatial information, amino acid conservation, physicochemical variation, residue mobility, and thermodynamic stability) indicates that this missense variant is expected to disrupt FAS protein function with a positive predictive value of 95%. Experimental studies have shown that this missense change affects FAS function (PMID: 18948840, 21490157). This variant disrupts the p.Arg250 amino acid residue in FAS. Other variant(s) that disrupt this residue have been determined to be pathogenic (PMID: 9927496, 10090885). This suggests that this residue is clinically significant, and that variants that disrupt this residue are likely to be disease-causing. For these reasons, this variant has been classified as Pathogenic.

CeGaT Center for Human Genetics Tuebingen
Classification: Likely pathogenic. Last evaluated: 2024-05-01. Review status: criteria provided, single submitter. Criteria: CeGaT Center For Human Genetics Tuebingen Variant Classification Criteria Version 2. Collection method: clinical testing. Allele origin: germline. Affected: yes. Observed: 2 variant alleles.
Comment: FAS: PM1, PM2, PM5, PS4:Moderate, PS3:Supporting

Clinical Genetics Laboratory, Skane University Hospital Lund
Classification: Pathogenic. Last evaluated: 2022-10-18. Review status: criteria provided, single submitter. Criteria: ACMG Guidelines, 2015. Collection method: clinical testing. Allele origin: germline. Affected: yes.

Genome Diagnostics Laboratory, University Medical Center Utrecht
Classification: Pathogenic. Review status: no assertion criteria provided. Collection method: clinical testing. Allele origin: germline. Affected: yes. Study: VKGL Data-share Consensus. Not counted in ClinVar's aggregate classification.

Joint Genome Diagnostic Labs from Nijmegen and Maastricht, Radboudumc and MUMC+
Classification: Pathogenic. Review status: no assertion criteria provided. Collection method: clinical testing. Allele origin: germline. Affected: yes. Study: VKGL Data-share Consensus. Not counted in ClinVar's aggregate classification.

Literature cited by the submitters: PubMed 10090885 (cited by Labcorp Genetics (formerly Invitae), Labcorp); PubMed 11830507 (cited by Labcorp Genetics (formerly Invitae), Labcorp); PubMed 18948840 (cited by Labcorp Genetics (formerly Invitae), Labcorp); PubMed 21490157 (cited by Labcorp Genetics (formerly Invitae), Labcorp); PubMed 9927496 (cited by Labcorp Genetics (formerly Invitae), Labcorp).